The following is an entry in ClinVar:

ClinVar aggregate classification (germline): Likely benign (1 of 4 stars; one submission).

gnomAD v4.1: 1,053 of 1,614,004 alleles (0.065%); highest among the groups gnomAD compares: African/African-American, 1.3%; 6 homozygotes.

Submission:

CeGaT Center for Human Genetics Tuebingen
Classification: Likely benign. Last evaluated: 2026-01-01. Review status: criteria provided, single submitter. Criteria: CeGaT Center For Human Genetics Tuebingen Variant Classification Criteria Version 2. Collection method: clinical testing. Allele origin: germline. Affected: yes. Observed: 1 variant allele.
Comment: LPCAT3: BP4, BS1

NM_005768.6(LPCAT3):c.1046T>C (p.Ile349Thr)

Genes: EMG1 (EMG1 N1-specific pseudouridine methyltransferase; plus strand), LPCAT3 (lysophosphatidylcholine acyltransferase 3; minus strand). Cytogenetic location: 12p13.31.
Variant type: single nucleotide variant.
Coding change: c.1046T>C on transcript NM_005768.6 (MANE Select); coding-DNA position 1046, T replaced by C.
Protein change: p.Ile349Thr; replaces isoleucine 349 with threonine.
Molecular consequence: missense variant. On other transcripts: 3 prime UTR variant (2).
Genome position (GRCh38, 1-based): chr12:6,977,740, A>G on the plus strand (T>C on the coding strand, the complement: LPCAT3 is on the minus strand). VCF-style: chr12-6977740-A-G. GRCh37 (hg19) VCF-style: chr12-7086902-A-G.
Other names: c.*1931A>G (NM_001320049.2, NM_006331.8); short protein forms I349T.
Identifiers: ClinVar variation 4821577 (VCV004821577.4).
Genomic context (GRCh38, chr12:6,977,740, plus strand): 5'-AATAGCAACGAGAGACCCTGAGAGAGTTCTTTATTTCCAAGGAACTTGAGTCGTTTGAAG[A>G]TGTAGCTGGAGAAAAGGGTGGGTGGGGCGACCCTCAAACTGACTGGTCCTTGCATCCCGC-3'
Protein context (NP_005759.4, residues 339-359): INTNAWVARY[Ile349Thr]FKRLKFLGNK